The following is an entry in ClinVar:

ClinVar aggregate classification (germline): Benign. Review status: criteria provided, multiple submitters, no conflicts (2 of 4 stars). 4 submissions from 4 submitters: Benign (3). 1 of the submissions does not count toward it. Last evaluated 2026-02-03.

Conditions:
FOCAD-related disorder. Also called: FOCAD-related condition.

Allele frequency attached by ClinVar (database versions not stated): 1000 Genomes Project 0.03015; ExAC 0.07057; gnomAD exomes 0.09252 and 0.07101; 1000 Genomes Project 30x 0.02983; TOPMed 0.05758; gnomAD 0.07204 and 0.06990; ESP Exome Variant Server 0.06843.
gnomAD v4.1: 144,883 of 1,611,604 alleles (9%); highest among the groups gnomAD compares: Non-Finnish European, 10%; 7,678 homozygotes.

Submissions (4):

Labcorp Genetics (formerly Invitae), Labcorp
Classification: Benign. Last evaluated: 2026-02-03. Review status: criteria provided, single submitter. Criteria: Invitae Variant Classification Sherloc (09022015). Collection method: clinical testing. Allele origin: germline.

GeneDx
Classification: Benign. Last evaluated: 2019-06-14. Review status: criteria provided, single submitter. Criteria: GeneDx Variant Classification Process June 2021. Collection method: clinical testing. Allele origin: germline. Affected: yes.

Breakthrough Genomics
Classification: Benign. Review status: criteria provided, single submitter. Criteria: ACMG Guidelines, 2015. Collection method: not provided. Allele origin: germline. Inheritance: Autosomal recessive inheritance. Affected: yes.

PreventionGenetics, part of Exact Sciences
Classification: Benign for FOCAD-related condition. Last evaluated: 2019-03-13. Review status: no assertion criteria provided. Collection method: clinical testing. Allele origin: germline. Not counted in ClinVar's aggregate classification.
Comment: This variant is classified as benign based on ACMG/AMP sequence variant interpretation guidelines (Richards et al. 2015 PMID: 25741868, with internal and published modifications).

NM_001375567.1(FOCAD):c.3717A>G (p.Gly1239=)

Gene: FOCAD (focadhesin; plus strand). Cytogenetic location: 9p21.3.
Variant type: single nucleotide variant.
Coding change: c.3717A>G on transcript NM_001375567.1 (MANE Select); coding-DNA position 3717, A replaced by G.
Protein change: p.Gly1239=; no amino-acid change (glycine 1239 retained).
Molecular consequence: synonymous variant.
Genome position (GRCh38, 1-based): chr9:20,948,312, A>G. VCF-style: chr9-20948312-A-G. GRCh37 (hg19) VCF-style: chr9-20948311-A-G.
Other names: c.3612A>G, p.Gly1204= (NM_001375568.1, NM_001375570.1); c.3717A>G, p.Gly1239= (NM_017794.5).
Identifiers: ClinVar variation 1287027 (VCV001287027.7), dbSNP rs35470485, ClinGen allele CA5007670.